The following is an entry in ClinVar:

ClinVar aggregate classification (germline): Uncertain significance. Review status: criteria provided, multiple submitters, no conflicts (2 of 4 stars). 2 submissions from 2 submitters: Uncertain significance (2). Last evaluated 2025-03-22.

Conditions:
Autism spectrum disorder due to AUTS2 deficiency (MRD26). Also called: INTELLECTUAL DEVELOPMENTAL DISORDER, AUTOSOMAL DOMINANT 26. Identifiers: Orphanet 352490, MedGen C4014435, MONDO:0014361, OMIM 615834.
Inborn genetic diseases. Identifiers: MedGen C0950123, MeSH D030342.

Allele frequency attached by ClinVar (database versions not stated): TOPMed below 0.00001.

Submissions (2):

Ambry Genetics
Classification: Uncertain significance for Inborn genetic diseases. Last evaluated: 2025-03-22. Review status: criteria provided, single submitter. Criteria: Ambry Variant Classification Scheme 2023. Collection method: clinical testing. Allele origin: germline.

Breda Genetics srl
Classification: Uncertain significance for Autism spectrum disorder due to AUTS2 deficiency. Last evaluated: 2021-01-22. Review status: criteria provided, single submitter. Criteria: ACMG Guidelines, 2015. Collection method: clinical testing. Allele origin: germline. Inheritance: Autosomal dominant inheritance. Affected: yes. Observed: 1 variant allele, 1 heterozygote.
Comment: Based on allele frequency, in-silico prediction scores and a certain overlap with the clinical phenotype, we interpreted this variant at least as of uncertain significance. The lack of one or more of the following features has discouraged further investigations: lack of a possible second hit in autosomal recessive conditions, presence of healthy controls in databases for autosomal dominant conditions, presence of unmatching cardinal clinical features in the patient or in the known gene-disease association, and/or variant type outside the known gene mutational spectrum.

NM_015570.4(AUTS2):c.2587G>T (p.Val863Leu)

Gene: AUTS2 (activator of transcription and developmental regulator AUTS2; plus strand). Cytogenetic location: 7q11.22.
Variant type: single nucleotide variant.
Coding change: c.2587G>T on transcript NM_015570.4 (MANE Select); coding-DNA position 2587, G replaced by T.
Protein change: p.Val863Leu; replaces valine 863 with leucine.
Molecular consequence: missense variant.
Genome position (GRCh38, 1-based): chr7:70,789,803, G>T. VCF-style: chr7-70789803-G-T. GRCh37 (hg19) VCF-style: chr7-70254789-G-T.
Other names: c.2515G>T, p.Val839Leu (NM_001127231.3); c.2587G>T (NM_015570.2); short protein forms V839L, V863L.
Identifiers: ClinVar variation 1299231 (VCV001299231.2), dbSNP rs1791761825, ClinGen allele CA367664411.